The following is an entry in ClinVar:

ClinVar aggregate classification (germline): Uncertain significance (1 of 4 stars; one submission).

Conditions:
Cardiac anomalies - developmental delay - facial dysmorphism syndrome (MRFACD). Also called: Impaired intellectual development and distinctive facial features with or without cardiac defects; MED13L Syndrome. Identifiers: Orphanet 369891, MedGen C5192431, MONDO:0014773, OMIM 616789.

gnomAD v4.1: 11 of 1,613,480 alleles (0.00068%); highest among the groups gnomAD compares: Non-Finnish European, 0.00076%; no homozygotes.

Submission:

Neuberg Centre For Genomic Medicine, NCGM
Classification: Uncertain significance for Cardiac anomalies - developmental delay - facial dysmorphism syndrome. Last evaluated: 2023-07-22. Review status: criteria provided, single submitter. Criteria: ACMG Guidelines, 2015. Collection method: clinical testing. Allele origin: germline. Inheritance: Autosomal dominant inheritance. Affected: yes.
Comment: The observed missense c.2779G>Ap.Glu927Lys variant in MED13L gene has not been reported previously as a pathogenic variant nor as a benign variant, to our knowledge. This variant is absent in gnomAD Exomes. The amino acid Glu at position 927 is changed to a Lys changing protein sequence and it might alter its composition and physico-chemical properties. The amino acid change p.Glu927Lys in MED13L is predicted as conserved by GERP++ and PhyloP across 100 vertebrates. Multiple lines of computational evidence Polyphen - Damaging, SIFT - Damaging, and MutationTaster - Disease causing predict a damaging effect on protein structure and function for this variant. For these reasons, this variant has been classified as Uncertain Significance.

NM_015335.5(MED13L):c.2779G>A (p.Glu927Lys)

Gene: MED13L (mediator complex subunit 13L; minus strand). Cytogenetic location: 12q24.21.
Variant type: single nucleotide variant.
Coding change: c.2779G>A on transcript NM_015335.5 (MANE Select); coding-DNA position 2779, G replaced by A.
Protein change: p.Glu927Lys; replaces glutamic acid 927 with lysine.
Molecular consequence: missense variant.
Genome position (GRCh38, 1-based): chr12:115,997,021, C>T on the plus strand (G>A on the coding strand, the complement: MED13L is on the minus strand). VCF-style: chr12-115997021-C-T. GRCh37 (hg19) VCF-style: chr12-116434826-C-T.
Other names: short protein forms E927K.
Identifiers: ClinVar variation 3391356 (VCV003391356.1).